The following is an entry in ClinVar:

NM_020320.5(RARS2):c.878+5del

Gene: RARS2 (arginyl-tRNA synthetase 2, mitochondrial; minus strand). Cytogenetic location: 6q15.
Variant type: Deletion.
Coding change: c.878+5del on transcript NM_020320.5 (MANE Select); 5 bases into the intron after coding-DNA position 878, one base deleted (G; older notation c.878+5delG).
Molecular consequence: intron variant.
Genome position (GRCh38, 1-based): chr6:87,529,537, C deleted on the plus strand (G on the coding strand, the reverse complement: RARS2 is on the minus strand). VCF-style (leftmost placement, unchanged base first): chr6-87529536-TC-T. GRCh37 (hg19) VCF-style: chr6-88239254-TC-T.
Other names: c.878+5del (NM_001350505.2); c.353+5del (NM_001350509.2, NM_001318785.2, NM_001350506.2 and 4 more transcripts).
Identifiers: ClinVar variation 3372469 (VCV003372469.1).

ClinVar aggregate classification (germline): Uncertain significance (1 of 4 stars; one submission).

Submission:

GeneDx
Classification: Uncertain significance. Last evaluated: 2024-04-16. Review status: criteria provided, single submitter. Criteria: GeneDx Variant Classification Process June 2021. Collection method: clinical testing. Allele origin: germline. Affected: yes.
Comment: Not observed at significant frequency in large population cohorts (gnomAD); In silico analysis is inconclusive as to whether the variant alters gene splicing. In the absence of RNA/functional studies, the actual effect of this sequence change is unknown.; Has not been previously published as pathogenic or benign to our knowledge